The following is an entry in ClinVar:

ClinVar aggregate classification (germline): Pathogenic (1 of 4 stars; one submission).

Submission:

Labcorp Genetics (formerly Invitae), Labcorp
Classification: Pathogenic. Last evaluated: 2022-10-23. Review status: criteria provided, single submitter. Criteria: Invitae Variant Classification Sherloc (09022015). Collection method: clinical testing. Allele origin: germline.
Comment: This variant has not been reported in the literature in individuals affected with NEXMIF-related conditions. This variant is not present in population databases (gnomAD no frequency). This sequence change creates a premature translational stop signal (p.Gln957Asnfs*53) in the NEXMIF gene. It is expected to result in an absent or disrupted protein product. Loss-of-function variants in NEXMIF are known to be pathogenic (PMID: 23615299). For these reasons, this variant has been classified as Pathogenic.

Literature cited by the submitters: PubMed 23615299.

NM_001008537.3(NEXMIF):c.2869del (p.Gln957fs)

Gene: NEXMIF (neurite extension and migration factor; minus strand). Cytogenetic location: Xq13.3.
Variant type: Deletion.
Coding change: c.2869del on transcript NM_001008537.3 (MANE Select); coding-DNA position 2869, one base deleted (C; older notation c.2869delC).
Protein change: p.Gln957fs; shifts the reading frame from glutamine 957.
Molecular consequence: frameshift variant.
Genome position (GRCh38, 1-based): chrX:74,741,688, G deleted on the plus strand (C on the coding strand, the reverse complement: NEXMIF is on the minus strand); the first of 3 consecutive G bases (chrX:74,741,688-74,741,690); deleting any one gives the same sequence. VCF-style (leftmost placement, unchanged base first): chrX-74741687-TG-T. GRCh37 (hg19) VCF-style: chrX-73961522-TG-T.
Other names: short protein forms Q957fs.
Identifiers: ClinVar variation 2809442 (VCV002809442.3), dbSNP rs2519913230, ClinGen allele CA2739273575.
Genomic context (GRCh38, chrX:74,741,687, plus strand): 5'-GGAAAGCAGATCTCTCCATTATTAAAGTGACATAATTGGTAAGAGTCATCAGATGGGAGT[TG>T]GGTATCTTGCATGGAGTCATACAGGACCTTGTTGCAATTACTGCCACCACTATTGAGACA-3'